The following is an entry in ClinVar:

NM_000277.3(PAH):c.1061del (p.Leu354fs)

Gene: PAH (phenylalanine hydroxylase; minus strand). Cytogenetic location: 12q23.2.
Variant type: Deletion.
Coding change: c.1061del on transcript NM_000277.3 (MANE Select); coding-DNA position 1061, one base deleted (T; older notation c.1061delT).
Protein change: p.Leu354fs; shifts the reading frame from leucine 354.
Molecular consequence: frameshift variant.
Genome position (GRCh38, 1-based): chr12:102,844,340, A deleted on the plus strand (T on the coding strand, the reverse complement: PAH is on the minus strand); the first of 2 consecutive A bases (chr12:102,844,340-102,844,341); deleting either gives the same sequence. VCF-style (leftmost placement, unchanged base first): chr12-102844339-TA-T. GRCh37 (hg19) VCF-style: chr12-103238117-TA-T.
Other names: c.1061del, p.Leu354fs (NM_001354304.2); short protein forms L354fs.
Identifiers: ClinVar variation 5004877 (VCV005004877.1).

ClinVar aggregate classification (germline): Pathogenic (1 of 4 stars; one submission).

Conditions:
Phenylketonuria (PKU). Also called: FOLLING DISEASE; OLIGOPHRENIA PHENYLPYRUVICA; Phenylketonurias; Phenylketonuria (PKU). Identifiers: Orphanet 716, MedGen C0031485, MONDO:0009861, OMIM 261600. Disease mechanism: loss of function.

Submission:

Myriad Genetics, Inc.
Classification: Pathogenic for Phenylketonuria. Last evaluated: 2026-09-01. Review status: criteria provided, single submitter. Criteria: Myriad Autosomal Dominant, Autosomal Recessive and X-Linked Classification Criteria (2023). Collection method: clinical testing. Allele origin: unknown.
Comment: NM_000277.1(PAH):c.1061delT(L354Yfs*46) is a frameshift variant classified as pathogenic in the context of phenylalanine hydroxylase deficiency. L354Yfs*46 has not been observed in cases with relevant disease. Relevant functional assessments of this variant are not available in the literature. L354Yfs*46 has not been observed in referenced population frequency databases. In summary, NM_000277.1(PAH):c.1061delT(L354Yfs*46) is a frameshift variant in a gene where loss of function is a known mechanism of disease and is predicted to disrupt protein function. Please note: this variant was assessed in the context of healthy population screening.